The following is an entry in ClinVar:

NM_014334.4(FRRS1L):c.565C>G (p.Pro189Ala)

Gene: FRRS1L (ferric chelate reductase 1 like; minus strand). Cytogenetic location: 9q31.3.
Variant type: single nucleotide variant.
Coding change: c.565C>G on transcript NM_014334.4 (MANE Select); coding-DNA position 565, C replaced by G.
Protein change: p.Pro189Ala; replaces proline 189 with alanine.
Molecular consequence: missense variant.
Genome position (GRCh38, 1-based): chr9:109,141,487, G>C on the plus strand (C>G on the coding strand, the complement: FRRS1L is on the minus strand). VCF-style: chr9-109141487-G-C. GRCh37 (hg19) VCF-style: chr9-111903767-G-C.
Other names: c.718C>G (NM_014334.2); short protein forms P189A.
Identifiers: ClinVar variation 3687298 (VCV003687298.2).

ClinVar aggregate classification (germline): Uncertain significance. Review status: criteria provided, multiple submitters, no conflicts (2 of 4 stars). 2 submissions from 2 submitters: Uncertain significance (2). Last evaluated 2025-06-03.

Conditions:
Inborn genetic diseases. Identifiers: MedGen C0950123, MeSH D030342.
Developmental and epileptic encephalopathy, 37 (DEE37). Also called: Epileptic encephalopathy, early infantile, 37. Identifiers: MedGen C4310770, MONDO:0014859, OMIM 616981.

gnomAD v4.1: 15 of 1,614,056 alleles (0.00093%); highest among the groups gnomAD compares: East Asian, 0.0022%; no homozygotes.

Submissions (2):

Ambry Genetics
Classification: Uncertain significance for Inborn genetic diseases. Last evaluated: 2025-06-03. Review status: criteria provided, single submitter. Criteria: Ambry Variant Classification Scheme 2023. Collection method: clinical testing. Allele origin: germline.

Labcorp Genetics (formerly Invitae), Labcorp
Classification: Uncertain significance for Developmental and epileptic encephalopathy, 37. Last evaluated: 2024-03-15. Review status: criteria provided, single submitter. Criteria: Invitae Variant Classification Sherloc (09022015). Collection method: clinical testing. Allele origin: germline.
Comment: This sequence change replaces proline, which is neutral and non-polar, with alanine, which is neutral and non-polar, at codon 240 of the FRRS1L protein (p.Pro240Ala). This variant is present in population databases (rs548294781, gnomAD 0.004%). This variant has not been reported in the literature in individuals affected with FRRS1L-related conditions. An algorithm developed to predict the effect of missense changes on protein structure and function (PolyPhen-2) suggests that this variant¬†is likely to be tolerated. In summary, the available evidence is currently insufficient to determine the role of this variant in disease. Therefore, it has been classified as a Variant of Uncertain Significance.